The following is an entry in ClinVar:

ClinVar aggregate classification (germline): Uncertain significance. Review status: criteria provided, multiple submitters, no conflicts (2 of 4 stars). 3 submissions from 3 submitters: Uncertain significance (3). Last evaluated 2026-03-27.

Conditions:
Inborn genetic diseases. Identifiers: MedGen C0950123, MeSH D030342.
XK-related neurodegenerative disease. Also called: NEUROACANTHOCYTOSIS, MCLEOD TYPE; MCLEOD PHENOTYPE; MCLEOD SYNDROME; McLeod neuroacanthocytosis syndrome; X-linked McLeod syndrome. Identifiers: Orphanet 59306, MedGen C0398568, MONDO:0018945, OMIM 300842. Disease mechanism: loss of function.

Allele frequency attached by ClinVar (database versions not stated): ExAC 0.00001; gnomAD 0.00008 and 0.00006; gnomAD exomes 0.00002 and 0.00001; TOPMed 0.00019.
gnomAD v4.1: 15 of 1,208,963 alleles (0.0012%); highest among the groups gnomAD compares: Admixed American, 0.026%; no homozygotes.

Submissions (3):

Ambry Genetics
Classification: Uncertain significance for Inborn genetic diseases. Last evaluated: 2026-03-27. Review status: criteria provided, single submitter. Criteria: Ambry Variant Classification Scheme 2023. Collection method: clinical testing. Allele origin: germline.

Labcorp Genetics (formerly Invitae), Labcorp
Classification: Uncertain significance. Last evaluated: 2024-04-15. Review status: criteria provided, single submitter. Criteria: Invitae Variant Classification Sherloc (09022015). Collection method: clinical testing. Allele origin: germline.
Comment: This sequence change replaces leucine, which is neutral and non-polar, with serine, which is neutral and polar, at codon 185 of the XK protein (p.Leu185Ser). This variant is present in population databases (rs782066998, gnomAD 0.008%), including at least one homozygous and/or hemizygous individual. This variant has not been reported in the literature in individuals affected with XK-related conditions. ClinVar contains an entry for this variant (Variation ID: 1057784). Advanced modeling of protein sequence and biophysical properties (such as structural, functional, and spatial information, amino acid conservation, physicochemical variation, residue mobility, and thermodynamic stability) performed at Invitae indicates that this missense variant is not expected to disrupt XK protein function with a negative predictive value of 80%. In summary, the available evidence is currently insufficient to determine the role of this variant in disease. Therefore, it has been classified as a Variant of Uncertain Significance.

Fulgent Genetics
Classification: Uncertain significance for XK-related neurodegenerative disease. Last evaluated: 2021-07-31. Review status: criteria provided, single submitter. Criteria: ACMG Guidelines, 2015. Collection method: clinical testing. Allele origin: unknown.

NM_021083.4(XK):c.554T>C (p.Leu185Ser)

Gene: XK (X-linked Kx blood group antigen, Kell and VPS13A binding protein; plus strand). Cytogenetic location: Xp21.1.
Variant type: single nucleotide variant.
Coding change: c.554T>C on transcript NM_021083.4 (MANE Select); coding-DNA position 554, T replaced by C.
Protein change: p.Leu185Ser; replaces leucine 185 with serine.
Molecular consequence: missense variant.
Genome position (GRCh38, 1-based): chrX:37,727,681, T>C. VCF-style: chrX-37727681-T-C. GRCh37 (hg19) VCF-style: chrX-37586934-T-C.
Other names: c.554T>C (NM_021083.2); short protein forms L185S.
Identifiers: ClinVar variation 1057784 (VCV001057784.9), dbSNP rs782066998, ClinGen allele CA10383564.